The following is an entry in ClinVar:

ClinVar aggregate classification (germline): Pathogenic/Likely pathogenic. Review status: criteria provided, multiple submitters, no conflicts (2 of 4 stars). 2 submissions from 2 submitters: Pathogenic (1); Likely pathogenic (1). Last evaluated 2024-04-10.

Conditions:
Epidermolysis bullosa dystrophica. Also called: Dystrophic epidermolysis bullosa, Hallopeau-Siemens type (formerly); Dystrophic epidermolysis bullosa. Identifiers: Orphanet 303, MedGen C0079294, MONDO:0006543.

Submissions (2):

Natera, Inc.
Classification: Likely pathogenic for Dystrophic epidermolysis bullosa. Last evaluated: 2024-04-10. Review status: criteria provided, single submitter. Criteria: Natera Variant Classification Schema (03/2026). Collection method: clinical testing. Allele origin: germline.
Comment: The c.4184delG variant in COL7A1 is a frameshift variant predicted to shift the reading frame beginning at codon 1395 and leads to a stop codon 4 codons downstream. This variant is expected to result in nonsense mediated decay, truncation, or a dysfunctional protein product. This variant is rare in the general population with a frequency below the threshold expected for the associated phenotype(s). Given the available evidence, this variant is classified as Likely Pathogenic.

Labcorp Genetics (formerly Invitae), Labcorp
Classification: Pathogenic. Last evaluated: 2022-02-03. Review status: criteria provided, single submitter. Criteria: Invitae Variant Classification Sherloc (09022015). Collection method: clinical testing. Allele origin: germline.
Comment: For these reasons, this variant has been classified as Pathogenic. ClinVar contains an entry for this variant (Variation ID: 1070562). This variant has not been reported in the literature in individuals affected with COL7A1-related conditions. This variant is not present in population databases (gnomAD no frequency). This sequence change creates a premature translational stop signal (p.Gly1395Glufs*4) in the COL7A1 gene. It is expected to result in an absent or disrupted protein product. Loss-of-function variants in COL7A1 are known to be pathogenic (PMID: 16971478).

Literature cited by the submitters: PubMed 16971478 (cited by Labcorp Genetics (formerly Invitae), Labcorp).

NM_000094.4(COL7A1):c.4184del (p.Gly1395fs)

Gene: COL7A1 (collagen type VII alpha 1 chain; minus strand). Cytogenetic location: 3p21.31.
Variant type: Deletion.
Coding change: c.4184del on transcript NM_000094.4 (MANE Select); coding-DNA position 4184, one base deleted (G; older notation c.4184delG).
Protein change: p.Gly1395fs; shifts the reading frame from glycine 1395.
Molecular consequence: frameshift variant.
Genome position (GRCh38, 1-based): chr3:48,584,311, C deleted on the plus strand (G on the coding strand, the reverse complement: COL7A1 is on the minus strand); the first of 2 consecutive C bases (chr3:48,584,311-48,584,312); deleting either gives the same sequence. VCF-style (leftmost placement, unchanged base first): chr3-48584310-TC-T. GRCh37 (hg19) VCF-style: chr3-48621743-TC-T.
Other names: c.4184delG (NM_000094.3); short protein forms G1395fs.
Identifiers: ClinVar variation 1070562 (VCV001070562.6), dbSNP rs2107732969, ClinGen allele CA2499216867.